The following is an entry in ClinVar:

ClinVar aggregate classification (germline): Uncertain significance (1 of 4 stars; one submission).

Conditions:
Muscular dystrophy-dystroglycanopathy (congenital with brain and eye anomalies), type A14. Also called: WALKER-WARBURG SYNDROME OR MUSCLE-EYE-BRAIN DISEASE, GMPPB-RELATED; Muscular dystrophy-dystroglycanopathy (congenital with brain and eye anomalies), type a, 14; Congenital Muscular Dystrophy-Dystroglycanopathy with Brain and Eye Anomalies Type A 14; Congenital muscular dystrophy-dystroglycanopathy with brain and eye anomalies, type A14. Identifiers: Orphanet 588, MedGen C3809216, MONDO:0014140, OMIM 615350.
Muscular dystrophy-dystroglycanopathy (congenital with impaired intellectual development), type B, 14. Also called: Muscular dystrophy-dystroglycanopathy (congenital with intellectual disability), type B14; MUSCULAR DYSTROPHY, CONGENITAL, GMPPB-RELATED; Congenital muscular dystrophy-dystroglycanopathy with mental retardation, type B14. Identifiers: MedGen C3809221, MONDO:0014141, OMIM 615351.
Autosomal recessive limb-girdle muscular dystrophy type 2T. Also called: MUSCULAR DYSTROPHY-DYSTROGLYCANOPATHY, LIMB-GIRDLE, GMPPB-RELATED; MUSCULAR DYSTROPHY, LIMB-GIRDLE, TYPE 2T; Muscular dystrophy-dystroglycanopathy (limb-girdle), type c, 14; Limb-girdle muscular dystrophy-dystroglycanopathy, type C14. Identifiers: Orphanet 363623, MedGen C4518000, MONDO:0014142, OMIM 615352.

Allele frequency attached by ClinVar (database versions not stated): ExAC 0.00001; gnomAD exomes 0.00001; ESP Exome Variant Server 0.00008.

Submission:

Labcorp Genetics (formerly Invitae), Labcorp
Classification: Uncertain significance for Autosomal recessive limb-girdle muscular dystrophy type 2T; Muscular dystrophy-dystroglycanopathy (congenital with brain and eye anomalies), type A14; Muscular dystrophy-dystroglycanopathy (congenital with impaired intellectual development), type B, 14. Last evaluated: 2022-05-31. Review status: criteria provided, single submitter. Criteria: Invitae Variant Classification Sherloc (09022015). Collection method: clinical testing. Allele origin: germline.
Comment: In summary, the available evidence is currently insufficient to determine the role of this variant in disease. Therefore, it has been classified as a Variant of Uncertain Significance. Algorithms developed to predict the effect of missense changes on protein structure and function are either unavailable or do not agree on the potential impact of this missense change (SIFT: "Deleterious"; PolyPhen-2: "Probably Damaging"; Align-GVGD: "Class C0"). This missense change has been observed in individual(s) with muscular dystrophy (PMID: 29437916). This variant is present in population databases (rs374586408, gnomAD 0.002%). This sequence change replaces cysteine, which is neutral and slightly polar, with tyrosine, which is neutral and polar, at codon 113 of the GMPPB protein (p.Cys113Tyr).

Literature cited by the submitters: PubMed 29437916.

NM_021971.4(GMPPB):c.338G>A (p.Cys113Tyr)

Gene: GMPPB (GDP-mannose pyrophosphorylase B; minus strand). Cytogenetic location: 3p21.31.
Variant type: single nucleotide variant.
Coding change: c.338G>A on transcript NM_021971.4 (MANE Select); coding-DNA position 338, G replaced by A.
Protein change: p.Cys113Tyr; replaces cysteine 113 with tyrosine.
Molecular consequence: missense variant.
Genome position (GRCh38, 1-based): chr3:49,723,036, C>T on the plus strand (G>A on the coding strand, the complement: GMPPB is on the minus strand). VCF-style: chr3-49723036-C-T. GRCh37 (hg19) VCF-style: chr3-49760469-C-T.
Other names: c.338G>A, p.Cys113Tyr (NM_013334.4); short protein forms C113Y.
Identifiers: ClinVar variation 2203395 (VCV002203395.4), dbSNP rs374586408, ClinGen allele CA2405598.
Genomic context (GRCh38, chr3:49,723,036, plus strand): 5'-ATGGAGCCCTCCTGGCCATGGTGCCGGTGGAACTGCACCATGGCTTGGAAGGGGAAATCG[C>T]AGATCACGTCACTGTTGAGGACGAAGAAAGGGTCTGCAGTCTCAGAGAGTAGGTCACGGG-3'
Protein context (NP_068806.2, residues 103-123): PFFVLNSDVI[Cys113Tyr]DFPFQAMVQF